The following is an entry in ClinVar:

NM_000782.5(CYP24A1):c.633G>C (p.Ser211=)

Gene: CYP24A1 (cytochrome P450 family 24 subfamily A member 1; minus strand). Cytogenetic location: 20q13.2.
Variant type: single nucleotide variant.
Coding change: c.633G>C on transcript NM_000782.5 (MANE Select); coding-DNA position 633, G replaced by C.
Protein change: p.Ser211=; no amino-acid change (serine 211 retained).
Molecular consequence: synonymous variant.
Genome position (GRCh38, 1-based): chr20:54,169,599, C>G on the plus strand (G>C on the coding strand, the complement: CYP24A1 is on the minus strand). VCF-style: chr20-54169599-C-G. GRCh37 (hg19) VCF-style: chr20-52786138-C-G.
Other names: p.Ser211=; c.633G>C, p.Ser211= (NM_001128915.2, NM_001424340.1, NM_001424341.1 and 2 more transcripts).
Identifiers: ClinVar variation 3610152 (VCV003610152.3).

ClinVar aggregate classification (germline): Likely benign. Review status: criteria provided, multiple submitters, no conflicts (2 of 4 stars). 2 submissions from 2 submitters: Likely benign (2). Last evaluated 2025-06-12.

gnomAD v4.1: 19 of 1,614,162 alleles (0.0012%); highest among the groups gnomAD compares: African/African-American, 0.021%; no homozygotes.

Submissions (2):

Labcorp Genetics (formerly Invitae), Labcorp
Classification: Likely benign. Last evaluated: 2025-06-12. Review status: criteria provided, single submitter. Criteria: Invitae Variant Classification Sherloc (09022015). Collection method: clinical testing. Allele origin: germline.

Mayo Clinic Laboratories, Mayo Clinic
Classification: Likely benign. Last evaluated: 2025-04-21. Review status: criteria provided, single submitter. Criteria: ACMG Guidelines, 2015. Collection method: clinical testing. Allele origin: germline. Observed: 1 variant allele.
Comment: BP4, BP7